The following is an entry in ClinVar:

ClinVar aggregate classification (germline): Uncertain significance (1 of 4 stars; one submission).

Conditions:
Early Myoclonic Encephalopathy. Identifiers: MedGen C0270855.

Allele frequency attached by ClinVar (database versions not stated): gnomAD exomes below 0.00001.
gnomAD v4.1: 1 of 1,612,582 alleles (0.000062%); highest among the groups gnomAD compares: Admixed American, 0.0017%; no homozygotes.

Submission:

Labcorp Genetics (formerly Invitae), Labcorp
Classification: Uncertain significance for Early Myoclonic Encephalopathy. Last evaluated: 2024-11-25. Review status: criteria provided, single submitter. Criteria: Invitae Variant Classification Sherloc (09022015). Collection method: clinical testing. Allele origin: germline.
Comment: This sequence change replaces glutamic acid, which is acidic and polar, with aspartic acid, which is acidic and polar, at codon 582 of the KCND2 protein (p.Glu582Asp). This variant is present in population databases (no rsID available, gnomAD 0.003%). This variant has not been reported in the literature in individuals affected with KCND2-related conditions. ClinVar contains an entry for this variant (Variation ID: 1494278). Invitae Evidence Modeling of protein sequence and biophysical properties (such as structural, functional, and spatial information, amino acid conservation, physicochemical variation, residue mobility, and thermodynamic stability) indicates that this missense variant is not expected to disrupt KCND2 protein function with a negative predictive value of 95%. In summary, the available evidence is currently insufficient to determine the role of this variant in disease. Therefore, it has been classified as a Variant of Uncertain Significance.

NM_012281.3(KCND2):c.1746G>C (p.Glu582Asp)

Gene: KCND2 (potassium voltage-gated channel subfamily D member 2; plus strand). Cytogenetic location: 7q31.31.
Variant type: single nucleotide variant.
Coding change: c.1746G>C on transcript NM_012281.3 (MANE Select); coding-DNA position 1746, G replaced by C.
Protein change: p.Glu582Asp; replaces glutamic acid 582 with aspartic acid.
Molecular consequence: missense variant.
Genome position (GRCh38, 1-based): chr7:120,747,711, G>C. VCF-style: chr7-120747711-G-C. GRCh37 (hg19) VCF-style: chr7-120387765-G-C.
Other names: short protein forms E582D.
Identifiers: ClinVar variation 1494278 (VCV001494278.8), dbSNP rs1383839894, ClinGen allele CA369136479.